The following is an entry in ClinVar:

NM_001371727.1(GABRB2):c.224C>T (p.Ser75Phe)

Gene: GABRB2 (gamma-aminobutyric acid type A receptor subunit beta2; minus strand). Cytogenetic location: 5q34.
Variant type: single nucleotide variant.
Coding change: c.224C>T on transcript NM_001371727.1 (MANE Select); coding-DNA position 224, C replaced by T.
Protein change: p.Ser75Phe; replaces serine 75 with phenylalanine.
Molecular consequence: missense variant.
Genome position (GRCh38, 1-based): chr5:161,545,240, G>A on the plus strand (C>T on the coding strand, the complement: GABRB2 is on the minus strand). VCF-style: chr5-161545240-G-A. GRCh37 (hg19) VCF-style: chr5-160972246-G-A.
Other names: c.224C>T, p.Ser75Phe (NM_000813.3, NM_021911.3); short protein forms S75F.
Identifiers: ClinVar variation 2703059 (VCV002703059.3), dbSNP rs2480166614, ClinGen allele CA362172389.

ClinVar aggregate classification (germline): Uncertain significance (1 of 4 stars; one submission).

Conditions:
Intellectual disability. Also called: Intellectual functioning disability; intellectual disabilities; Intellectual developmental disorder. Identifiers: MedGen C3714756, MeSH D008607, MONDO:0001071, HP:0001249.

Submission:

Labcorp Genetics (formerly Invitae), Labcorp
Classification: Uncertain significance for Intellectual disability. Last evaluated: 2023-12-14. Review status: criteria provided, single submitter. Criteria: Invitae Variant Classification Sherloc (09022015). Collection method: clinical testing. Allele origin: germline.
Comment: This sequence change replaces serine, which is neutral and polar, with phenylalanine, which is neutral and non-polar, at codon 75 of the GABRB2 protein (p.Ser75Phe). This variant is not present in population databases (gnomAD no frequency). This variant has not been reported in the literature in individuals affected with GABRB2-related conditions. Advanced modeling of protein sequence and biophysical properties (such as structural, functional, and spatial information, amino acid conservation, physicochemical variation, residue mobility, and thermodynamic stability) has been performed at Invitae for this missense variant, however the output from this modeling did not meet the statistical confidence thresholds required to predict the impact of this variant on GABRB2 protein function. In summary, the available evidence is currently insufficient to determine the role of this variant in disease. Therefore, it has been classified as a Variant of Uncertain Significance.